The following is an entry in ClinVar:

ClinVar aggregate classification (germline): Likely benign (1 of 4 stars; one submission).

Submission:

CeGaT Center for Human Genetics Tuebingen
Classification: Likely benign. Last evaluated: 2026-01-01. Review status: criteria provided, single submitter. Criteria: CeGaT Center For Human Genetics Tuebingen Variant Classification Criteria Version 2. Collection method: clinical testing. Allele origin: germline. Affected: yes. Observed: 1 variant allele.
Comment: MAML3: BP4, BP7

NM_018717.5(MAML3):c.1461A>G (p.Gln487=)

Gene: MAML3 (mastermind like transcriptional coactivator 3; minus strand). Cytogenetic location: 4q31.1.
Variant type: single nucleotide variant.
Coding change: c.1461A>G on transcript NM_018717.5 (MANE Select); coding-DNA position 1461, A replaced by G.
Protein change: p.Gln487=; no amino-acid change (glutamine 487 retained).
Molecular consequence: synonymous variant.
Genome position (GRCh38, 1-based): chr4:139,889,975, T>C on the plus strand (A>G on the coding strand, the complement: MAML3 is on the minus strand). VCF-style: chr4-139889975-T-C. GRCh37 (hg19) VCF-style: chr4-140811129-T-C.
Identifiers: ClinVar variation 4821165 (VCV004821165.4).